The following is an entry in ClinVar:

NM_006371.5(CRTAP):c.677T>A (p.Ile226Asn)

Gene: CRTAP (cartilage associated protein; plus strand). Cytogenetic location: 3p22.3.
Variant type: single nucleotide variant.
Coding change: c.677T>A on transcript NM_006371.5 (MANE Select); coding-DNA position 677, T replaced by A.
Protein change: p.Ile226Asn; replaces isoleucine 226 with asparagine.
Molecular consequence: missense variant.
Genome position (GRCh38, 1-based): chr3:33,124,463, T>A. VCF-style: chr3-33124463-T-A. GRCh37 (hg19) VCF-style: chr3-33165955-T-A.
Other names: short protein forms I226N.
Identifiers: ClinVar variation 1042604 (VCV001042604.4), dbSNP rs2029999836, ClinGen allele CA352009382.

ClinVar aggregate classification (germline): Uncertain significance (1 of 4 stars; one submission).

Conditions:
Osteogenesis imperfecta type 7 (OI7). Also called: OI type 7; OI type VII; OSTEOGENESIS IMPERFECTA, TYPE IIB; Osteogenesis imperfecta type 2B; OI type 2B; Osteogenesis imperfecta, perinatal lethal autosomal recessive. Identifiers: MedGen C1853162, MONDO:0012536, OMIM 610682.

Allele frequency attached by ClinVar (database versions not stated): TOPMed below 0.00001; gnomAD 0.00001.

Submission:

Labcorp Genetics (formerly Invitae), Labcorp
Classification: Uncertain significance for Osteogenesis imperfecta type 7. Last evaluated: 2020-07-24. Review status: criteria provided, single submitter. Criteria: Invitae Variant Classification Sherloc (09022015). Collection method: clinical testing. Allele origin: germline.
Comment: Algorithms developed to predict the effect of missense changes on protein structure and function are either unavailable or do not agree on the potential impact of this missense change (SIFT: "Deleterious"; PolyPhen-2: "Possibly Damaging"; Align-GVGD: "Class C0"). In summary, the available evidence is currently insufficient to determine the role of this variant in disease. Therefore, it has been classified as a Variant of Uncertain Significance. This variant has not been reported in the literature in individuals with CRTAP-related conditions. This variant is not present in population databases (ExAC no frequency). This sequence change replaces isoleucine with asparagine at codon 226 of the CRTAP protein (p.Ile226Asn). The isoleucine residue is moderately conserved and there is a large physicochemical difference between isoleucine and asparagine.